The following is an entry in ClinVar:

ClinVar aggregate classification (germline): Pathogenic. Review status: criteria provided, single submitter (1 of 4 stars). 2 submissions from 2 submitters: Pathogenic (1). 1 of the submissions does not count toward it. Last evaluated 2021-04-07.

Conditions:
GM1 gangliosidosis. Identifiers: Orphanet 354, MedGen C0085131, MONDO:0018149.
Mucopolysaccharidosis, MPS-IV-B (MPS4B). Also called: Mucopolysaccharidosis type 4B; Mucopolysaccharidosis Type IVB (Morquio B Disease); MORQUIO SYNDROME B; Mucopolysaccharidosis type IVB (Morquio); MPS IVB; Mucopolysaccharidosis type IV B. Identifiers: Orphanet 309310, Orphanet 582, MedGen C0086652, MONDO:0009660, OMIM 253010.

Submissions (2):

Labcorp Genetics (formerly Invitae), Labcorp
Classification: Pathogenic for Mucopolysaccharidosis, MPS-IV-B; GM1 gangliosidosis. Last evaluated: 2021-04-07. Review status: criteria provided, single submitter. Criteria: Invitae Variant Classification Sherloc (09022015). Collection method: clinical testing. Allele origin: germline.
Comment: For these reasons, this variant has been classified as Pathogenic. This variant has not been reported in the literature in individuals with GLB1-related conditions. ClinVar contains an entry for this variant (Variation ID: 591620). This variant is not present in population databases (ExAC no frequency). This sequence change creates a premature translational stop signal (p.Ile398Serfs*7) in the GLB1 gene. It is expected to result in an absent or disrupted protein product. Loss-of-function variants in GLB1 are known to be pathogenic (PMID: 18524657).

Gharavi Laboratory, Columbia University
Classification: Uncertain significance. Last evaluated: 2018-09-16. Review status: no assertion criteria provided. Criteria: ACMG Guidelines, 2015. Collection method: research. Allele origin: germline. Affected: yes. Not counted in ClinVar's aggregate classification.

Literature cited by the submitters: PubMed 18524657 (cited by Labcorp Genetics (formerly Invitae), Labcorp).

NM_000404.4(GLB1):c.1191del (p.Ile398fs)

Gene: GLB1 (galactosidase beta 1; minus strand). Cytogenetic location: 3p22.3.
Variant type: Deletion.
Coding change: c.1191del on transcript NM_000404.4 (MANE Select); coding-DNA position 1191, one base deleted (C; older notation c.1191delC).
Protein change: p.Ile398fs; shifts the reading frame from isoleucine 398.
Molecular consequence: frameshift variant.
Genome position (GRCh38, 1-based): chr3:33,021,608, G deleted on the plus strand (C on the coding strand, the reverse complement: GLB1 is on the minus strand); the first of 3 consecutive G bases (chr3:33,021,608-33,021,610); deleting any one gives the same sequence. VCF-style (leftmost placement, unchanged base first): chr3-33021607-TG-T. GRCh37 (hg19) VCF-style: chr3-33063099-TG-T.
Other names: c.1101del, p.Ile368fs (NM_001079811.3); c.798del, p.Ile267fs (NM_001135602.3); c.1335del, p.Ile446fs (NM_001317040.2); c.1191del, p.Ile398fs (NM_001393580.1); short protein forms I368fs, I446fs, I267fs, I398fs.
Identifiers: ClinVar variation 591620 (VCV000591620.6), dbSNP rs1559385898, ClinGen allele CA891862736.